The following is an entry in ClinVar:

ClinVar aggregate classification (germline): Benign/Likely benign. Review status: criteria provided, multiple submitters, no conflicts (2 of 4 stars). 4 submissions from 4 submitters: Benign (1); Likely benign (3). Last evaluated 2026-09-01.

Conditions:
Intellectual developmental disorder, autosomal recessive 37. Also called: Intellectual disability-hypotonia-spasticity-sleep disorder syndrome. Identifiers: Orphanet 356996, MedGen C3809672, MONDO:0014210, OMIM 615493.

Allele frequency attached by ClinVar (database versions not stated): TOPMed 0.00412; 1000 Genomes Project 30x 0.00250; ESP Exome Variant Server 0.00361; gnomAD 0.00393 and 0.00351; gnomAD exomes 0.00032 and 0.00090; ExAC 0.00110; 1000 Genomes Project 0.00220.
gnomAD v4.1: 1,030 of 1,613,852 alleles (0.064%); highest among the groups gnomAD compares: African/African-American, 1.2%; 10 homozygotes.

Submissions (4):

CeGaT Center for Human Genetics Tuebingen
Classification: Likely benign. Last evaluated: 2026-09-01. Review status: criteria provided, single submitter. Criteria: CeGaT Center For Human Genetics Tuebingen Variant Classification Criteria Version 2. Collection method: clinical testing. Allele origin: germline. Affected: yes. Observed: 4 variant alleles.
Comment: ANK3: BP4, BP7, BS1

Labcorp Genetics (formerly Invitae), Labcorp
Classification: Benign. Last evaluated: 2025-12-29. Review status: criteria provided, single submitter. Criteria: Invitae Variant Classification Sherloc (09022015). Collection method: clinical testing. Allele origin: germline.

Fulgent Genetics
Classification: Likely benign for Intellectual developmental disorder, autosomal recessive 37. Last evaluated: 2022-01-24. Review status: criteria provided, single submitter. Criteria: ACMG Guidelines, 2015. Collection method: clinical testing. Allele origin: unknown.

Genetic Services Laboratory, University of Chicago
Classification: Likely benign. Last evaluated: 2018-04-09. Review status: criteria provided, single submitter. Criteria: ACMG Guidelines, 2015. Collection method: clinical testing. Allele origin: germline. Affected: no.

NM_020987.5(ANK3):c.3984G>A (p.Leu1328=)

Gene: ANK3 (ankyrin 3; minus strand). Cytogenetic location: 10q21.2.
Variant type: single nucleotide variant.
Coding change: c.3984G>A on transcript NM_020987.5 (MANE Select); coding-DNA position 3984, G replaced by A.
Protein change: p.Leu1328=; no amino-acid change (leucine 1328 retained).
Molecular consequence: synonymous variant.
Genome position (GRCh38, 1-based): chr10:60,084,692, C>T on the plus strand (G>A on the coding strand, the complement: ANK3 is on the minus strand). VCF-style: chr10-60084692-C-T. GRCh37 (hg19) VCF-style: chr10-61844450-C-T.
Other names: c.1386G>A, p.Leu462= (NM_001149.4); c.3966G>A, p.Leu1322= (NM_001204403.2); c.3987G>A, p.Leu1329= (NM_001204404.2); c.3984G>A, p.Leu1328= (NM_001320874.2).
Identifiers: ClinVar variation 713120 (VCV000713120.30), dbSNP rs149052618, ClinGen allele CA5512358.